The following is an entry in ClinVar:

ClinVar aggregate classification (germline): Conflicting classifications of pathogenicity. Review status: criteria provided, conflicting classifications (1 of 4 stars). 4 submissions from 4 submitters: Likely pathogenic (2); Uncertain significance (2). Last evaluated 2024-06-10.

Conditions:
GRIN2A-Related Disorders. Identifiers: MedGen CN381066.
Landau-Kleffner syndrome (FESD). Also called: EPILEPSY, FOCAL, WITH SPEECH DISORDER AND WITH OR WITHOUT MENTAL RETARDATION; APHASIA, ACQUIRED, WITH EPILEPSY. Identifiers: Orphanet 1945, Orphanet 725, Orphanet 98818, MedGen C0282512, MONDO:0009509, OMIM 245570.

Allele frequency attached by ClinVar (database versions not stated): gnomAD exomes below 0.00001.
gnomAD v4.1: 1 of 1,612,452 alleles (0.000062%); highest among the groups gnomAD compares: Non-Finnish European, 0.000085%; no homozygotes.

Submissions (4):

Labcorp Genetics (formerly Invitae), Labcorp
Classification: Uncertain significance for Landau-Kleffner syndrome. Last evaluated: 2024-06-10. Review status: criteria provided, single submitter. Criteria: Invitae Variant Classification Sherloc (09022015). Collection method: clinical testing. Allele origin: germline.
Comment: This sequence change replaces glycine, which is neutral and non-polar, with serine, which is neutral and polar, at codon 664 of the GRIN2A protein (p.Gly664Ser). This variant is not present in population databases (gnomAD no frequency). This variant has not been reported in the literature in individuals affected with GRIN2A-related conditions. ClinVar contains an entry for this variant (Variation ID: 1878902). Advanced modeling of protein sequence and biophysical properties (such as structural, functional, and spatial information, amino acid conservation, physicochemical variation, residue mobility, and thermodynamic stability) has been performed at Invitae for this missense variant, however the output from this modeling did not meet the statistical confidence thresholds required to predict the impact of this variant on GRIN2A protein function. In summary, the available evidence is currently insufficient to determine the role of this variant in disease. Therefore, it has been classified as a Variant of Uncertain Significance.

GeneDx
Classification: Likely pathogenic. Last evaluated: 2024-05-08. Review status: criteria provided, single submitter. Criteria: GeneDx Variant Classification Process June 2021. Collection method: clinical testing. Allele origin: germline. Affected: yes.
Comment: Not observed at significant frequency in large population cohorts (gnomAD); In silico analysis supports that this missense variant has a deleterious effect on protein structure/function; Has not been previously published as pathogenic or benign to our knowledge; This variant is associated with the following publications: (PMID: 27839871)

CeGaT Center for Human Genetics Tuebingen
Classification: Uncertain significance. Last evaluated: 2023-03-01. Review status: criteria provided, single submitter. Criteria: CeGaT Center For Human Genetics Tuebingen Variant Classification Criteria Version 2. Collection method: clinical testing. Allele origin: germline. Affected: yes. Observed: 1 variant allele.
Comment: GRIN2A: PM2

Blueprint Genetics
Classification: Likely pathogenic for GRIN2A-related disorders. Last evaluated: 2020-12-22. Review status: criteria provided, single submitter. Criteria: ACMG Guidelines, 2015. Collection method: clinical testing. Allele origin: de novo. Affected: yes. Observed: 1 variant allele.

NM_001134407.3(GRIN2A):c.1990G>A (p.Gly664Ser)

Gene: GRIN2A (glutamate ionotropic receptor NMDA type subunit 2A; minus strand). Cytogenetic location: 16p13.2.
Variant type: single nucleotide variant.
Coding change: c.1990G>A on transcript NM_001134407.3 (MANE Select); coding-DNA position 1990, G replaced by A.
Protein change: p.Gly664Ser; replaces glycine 664 with serine.
Molecular consequence: missense variant.
Genome position (GRCh38, 1-based): chr16:9,829,440, C>T on the plus strand (G>A on the coding strand, the complement: GRIN2A is on the minus strand). VCF-style: chr16-9829440-C-T. GRCh37 (hg19) VCF-style: chr16-9923297-C-T.
Other names: c.1990G>A, p.Gly664Ser (NM_000833.5, NM_001134408.2); short protein forms G664S.
Identifiers: ClinVar variation 1878902 (VCV001878902.33), dbSNP rs2506111320, ClinGen allele CA394799109.